The following is an entry in ClinVar:

NM_015047.3(EMC1):c.2458A>G (p.Thr820Ala)

Genes: EMC1 (ER membrane protein complex subunit 1; minus strand), EMC1-AS1 (EMC1 antisense RNA 1; plus strand). Cytogenetic location: 1p36.13.
Variant type: single nucleotide variant.
Coding change: c.2458A>G on transcript NM_015047.3 (MANE Select); coding-DNA position 2458, A replaced by G.
Protein change: p.Thr820Ala; replaces threonine 820 with alanine.
Molecular consequence: missense variant.
Genome position (GRCh38, 1-based): chr1:19,222,753, T>C on the plus strand (A>G on the coding strand, the complement: EMC1 is on the minus strand). VCF-style: chr1-19222753-T-C. GRCh37 (hg19) VCF-style: chr1-19549247-T-C.
Other names: c.2455A>G, p.Thr819Ala (NM_001271427.2, NM_001271428.2); c.2392A>G, p.Thr798Ala (NM_001271429.2); c.2467A>G, p.Thr823Ala (NM_001375820.1); c.2464A>G, p.Thr822Ala (NM_001375821.1); short protein forms T823A, T798A, T820A, T819A, T822A.
Identifiers: ClinVar variation 3647659 (VCV003647659.2).

ClinVar aggregate classification (germline): Uncertain significance (1 of 4 stars; one submission).

Submission:

Labcorp Genetics (formerly Invitae), Labcorp
Classification: Uncertain significance. Last evaluated: 2024-03-26. Review status: criteria provided, single submitter. Criteria: Invitae Variant Classification Sherloc (09022015). Collection method: clinical testing. Allele origin: germline.
Comment: This sequence change replaces threonine, which is neutral and polar, with alanine, which is neutral and non-polar, at codon 820 of the EMC1 protein (p.Thr820Ala). This variant is not present in population databases (gnomAD no frequency). This variant has not been reported in the literature in individuals affected with EMC1-related conditions. Advanced modeling of protein sequence and biophysical properties (such as structural, functional, and spatial information, amino acid conservation, physicochemical variation, residue mobility, and thermodynamic stability) performed at Invitae indicates that this missense variant is not expected to disrupt EMC1 protein function with a negative predictive value of 80%. In summary, the available evidence is currently insufficient to determine the role of this variant in disease. Therefore, it has been classified as a Variant of Uncertain Significance.